The following is an entry in ClinVar:

ClinVar aggregate classification (germline): Uncertain significance (1 of 4 stars; one submission).

Submission:

Labcorp Genetics (formerly Invitae), Labcorp
Classification: Uncertain significance. Last evaluated: 2021-06-24. Review status: criteria provided, single submitter. Criteria: Invitae Variant Classification Sherloc (09022015). Collection method: clinical testing. Allele origin: germline.
Comment: This sequence change replaces serine with asparagine at codon 857 of the SETBP1 protein (p.Ser857Asn). The serine residue is highly conserved and there is a small physicochemical difference between serine and asparagine. In summary, the available evidence is currently insufficient to determine the role of this variant in disease. Therefore, it has been classified as a Variant of Uncertain Significance. Algorithms developed to predict the effect of missense changes on protein structure and function (SIFT, PolyPhen-2, Align-GVGD) all suggest that this variant is likely to be disruptive, but these predictions have not been confirmed by published functional studies and their clinical significance is uncertain. This variant has not been reported in the literature in individuals with SETBP1-related conditions. This variant is not present in population databases (ExAC no frequency).

NM_015559.3(SETBP1):c.2570G>A (p.Ser857Asn)

Gene: SETBP1 (SET binding protein 1; plus strand). Cytogenetic location: 18q12.3.
Variant type: single nucleotide variant.
Coding change: c.2570G>A on transcript NM_015559.3 (MANE Select); coding-DNA position 2570, G replaced by A.
Protein change: p.Ser857Asn; replaces serine 857 with asparagine.
Molecular consequence: missense variant.
Genome position (GRCh38, 1-based): chr18:44,951,910, G>A. VCF-style: chr18-44951910-G-A. GRCh37 (hg19) VCF-style: chr18-42531875-G-A.
Other names: c.2570G>A, p.Ser857Asn (NM_001379141.1, NM_001379142.1); short protein forms S857N.
Identifiers: ClinVar variation 1363875 (VCV001363875.8), dbSNP rs2145105638, ClinGen allele CA402321726.